The following is an entry in ClinVar:

ClinVar aggregate classification (germline): Uncertain significance (1 of 4 stars; one submission).

Conditions:
Idiopathic Pulmonary Fibrosis. Also called: Idiopathic fibrosing alveolitis, chronic form; idiopathic fibrosing alveolitis. Identifiers: Orphanet 2032, MedGen C1800706, MeSH D054990, MONDO:0800504.
Dyskeratosis congenita, autosomal dominant 2. Identifiers: MedGen C3151443, MONDO:0013521, OMIM 613989.

Submission:

Labcorp Genetics (formerly Invitae), Labcorp
Classification: Uncertain significance for Dyskeratosis congenita, autosomal dominant 2; Idiopathic Pulmonary Fibrosis. Last evaluated: 2023-04-09. Review status: criteria provided, single submitter. Criteria: Invitae Variant Classification Sherloc (09022015). Collection method: clinical testing. Allele origin: germline.
Comment: This sequence change replaces glycine, which is neutral and non-polar, with serine, which is neutral and polar, at codon 92 of the TERT protein (p.Gly92Ser). This variant is not present in population databases (gnomAD no frequency). This variant has not been reported in the literature in individuals affected with TERT-related conditions. Advanced modeling of protein sequence and biophysical properties (such as structural, functional, and spatial information, amino acid conservation, physicochemical variation, residue mobility, and thermodynamic stability) performed at Invitae indicates that this missense variant is expected to disrupt TERT protein function. In summary, the available evidence is currently insufficient to determine the role of this variant in disease. Therefore, it has been classified as a Variant of Uncertain Significance.

NM_198253.3(TERT):c.274G>A (p.Gly92Ser)

Gene: TERT (telomerase reverse transcriptase; minus strand). Cytogenetic location: 5p15.33.
Variant type: single nucleotide variant.
Coding change: c.274G>A on transcript NM_198253.3 (MANE Select); coding-DNA position 274, G replaced by A.
Protein change: p.Gly92Ser; replaces glycine 92 with serine.
Molecular consequence: missense variant. On other transcripts: non-coding transcript variant (2).
Genome position (GRCh38, 1-based): chr5:1,294,612, C>T on the plus strand (G>A on the coding strand, the complement: TERT is on the minus strand). VCF-style: chr5-1294612-C-T. GRCh37 (hg19) VCF-style: chr5-1294727-C-T.
Other names: c.274G>A, p.Gly92Ser (NM_001193376.3, NM_003219.1); short protein forms G92S.
Identifiers: ClinVar variation 2946411 (VCV002946411.3), dbSNP rs2478430331, ClinGen allele CA359058563.